The following is an entry in ClinVar:

NM_004187.5(KDM5C):c.2368+4A>C

Gene: KDM5C (lysine demethylase 5C; minus strand). Cytogenetic location: Xp11.22.
Variant type: single nucleotide variant.
Coding change: c.2368+4A>C on transcript NM_004187.5 (MANE Select); 4 bases into the intron after coding-DNA position 2368, A replaced by C.
Molecular consequence: intron variant.
Genome position (GRCh38, 1-based): chrX:53,198,760, T>G on the plus strand (A>C on the coding strand, the complement: KDM5C is on the minus strand). VCF-style: chrX-53198760-T-G. GRCh37 (hg19) VCF-style: chrX-53227942-T-G.
Other names: c.2365+4A>C (NM_001353982.2, NM_001353979.2, NM_001282622.3); c.2368+4A>C (NM_001353981.2, NM_001353984.2, NM_001353978.3); c.2167+4A>C (NM_001146702.2).
Identifiers: ClinVar variation 3723636 (VCV003723636.2).

ClinVar aggregate classification (germline): Uncertain significance (1 of 4 stars; one submission).

Conditions:
Spastic paraplegia. Identifiers: MedGen C0037772, HP:0001258.

Submission:

Labcorp Genetics (formerly Invitae), Labcorp
Classification: Uncertain significance for Spastic paraplegia. Last evaluated: 2024-10-29. Review status: criteria provided, single submitter. Criteria: Invitae Variant Classification Sherloc (09022015). Collection method: clinical testing. Allele origin: germline.
Comment: This sequence change falls in intron 16 of the KDM5C gene. It does not directly change the encoded amino acid sequence of the KDM5C protein. It affects a nucleotide within the consensus splice site. This variant is not present in population databases (gnomAD no frequency). This variant has not been reported in the literature in individuals affected with KDM5C-related conditions. Variants that disrupt the consensus splice site are a relatively common cause of aberrant splicing (PMID: 17576681, 9536098). Algorithms developed to predict the effect of sequence changes on RNA splicing suggest that this variant may disrupt the consensus splice site. In summary, the available evidence is currently insufficient to determine the role of this variant in disease. Therefore, it has been classified as a Variant of Uncertain Significance.

Literature cited by the submitters: PubMed 17576681; PubMed 9536098.